The following is an entry in ClinVar:

NM_002890.3(RASA1):c.50G>T (p.Gly17Val)

Gene: RASA1 (RAS p21 protein activator 1; plus strand). Cytogenetic location: 5q14.3.
Variant type: single nucleotide variant.
Coding change: c.50G>T on transcript NM_002890.3 (MANE Select); coding-DNA position 50, G replaced by T.
Protein change: p.Gly17Val; replaces glycine 17 with valine.
Molecular consequence: missense variant.
Genome position (GRCh38, 1-based): chr5:87,268,501, G>T. VCF-style: chr5-87268501-G-T. GRCh37 (hg19) VCF-style: chr5-86564318-G-T.
Other names: short protein forms G17V.
Identifiers: ClinVar variation 2120114 (VCV002120114.4), dbSNP rs2531002038, ClinGen allele CA360416684.

ClinVar aggregate classification (germline): Uncertain significance (1 of 4 stars; one submission).

Conditions:
Capillary malformation-arteriovenous malformation syndrome. Also called: Capillary malformation-arteriovenous malformation. Identifiers: Orphanet 137667, MedGen C1842180, MONDO:0012016.

Allele frequency attached by ClinVar (database versions not stated): gnomAD exomes below 0.00001.
gnomAD v4.1: 2 of 1,564,430 alleles (0.00013%); highest among the groups gnomAD compares: Non-Finnish European, 0.00017%; no homozygotes.

Submission:

Labcorp Genetics (formerly Invitae), Labcorp
Classification: Uncertain significance for Capillary malformation-arteriovenous malformation syndrome. Last evaluated: 2022-04-01. Review status: criteria provided, single submitter. Criteria: Invitae Variant Classification Sherloc (09022015). Collection method: clinical testing. Allele origin: germline.
Comment: This sequence change replaces glycine, which is neutral and non-polar, with valine, which is neutral and non-polar, at codon 17 of the RASA1 protein (p.Gly17Val). This variant is not present in population databases (gnomAD no frequency). This variant has not been reported in the literature in individuals affected with RASA1-related conditions. Algorithms developed to predict the effect of missense changes on protein structure and function are either unavailable or do not agree on the potential impact of this missense change (SIFT: "Deleterious"; PolyPhen-2: "Probably Damaging"; Align-GVGD: "Class C0"). In summary, the available evidence is currently insufficient to determine the role of this variant in disease. Therefore, it has been classified as a Variant of Uncertain Significance.